The following is an entry in ClinVar:

ClinVar aggregate classification (germline): Uncertain significance. Review status: criteria provided, multiple submitters, no conflicts (2 of 4 stars). 2 submissions from 2 submitters: Uncertain significance (2). Last evaluated 2025-11-10.

Conditions:
Emery-Dreifuss muscular dystrophy 5, autosomal dominant (EDMD5). Also called: EMERY-DREIFUSS MUSCULAR DYSTROPHY 5. Identifiers: Orphanet 261, MedGen C2751805, MONDO:0013072, OMIM 612999.

Allele frequency attached by ClinVar (database versions not stated): ExAC 0.00002; gnomAD exomes 0.00002 and 0.00003; gnomAD 0.00003; TOPMed 0.00003.
gnomAD v4.1: 46 of 1,592,064 alleles (0.0029%); highest among the groups gnomAD compares: Non-Finnish European, 0.0033%; no homozygotes.

Submissions (2):

Labcorp Genetics (formerly Invitae), Labcorp
Classification: Uncertain significance for Emery-Dreifuss muscular dystrophy 5, autosomal dominant. Last evaluated: 2025-11-10. Review status: criteria provided, single submitter. Criteria: Invitae Variant Classification Sherloc (09022015). Collection method: clinical testing. Allele origin: germline.
Comment: This sequence change replaces glutamic acid, which is acidic and polar, with valine, which is neutral and non-polar, at codon 1583 of the SYNE2 protein (p.Glu1583Val). This variant is present in population databases (rs775635485, gnomAD 0.009%). This variant has not been reported in the literature in individuals affected with SYNE2-related conditions. ClinVar contains an entry for this variant (Variation ID: 1036360). An algorithm developed to predict the effect of missense changes on protein structure and function (PolyPhen-2) suggests that this variant is likely to be disruptive. In summary, the available evidence is currently insufficient to determine the role of this variant in disease. Therefore, it has been classified as a Variant of Uncertain Significance.

Ambry Genetics
Classification: Uncertain significance. Last evaluated: 2022-12-06. Review status: criteria provided, single submitter. Criteria: Ambry Variant Classification Scheme 2023. Collection method: clinical testing. Allele origin: germline.

NM_182914.3(SYNE2):c.4748A>T (p.Glu1583Val)

Gene: SYNE2 (spectrin repeat containing nuclear envelope protein 2; plus strand). Cytogenetic location: 14q23.2.
Variant type: single nucleotide variant.
Coding change: c.4748A>T on transcript NM_182914.3 (MANE Select); coding-DNA position 4748, A replaced by T.
Protein change: p.Glu1583Val; replaces glutamic acid 1583 with valine.
Molecular consequence: missense variant.
Genome position (GRCh38, 1-based): chr14:64,016,492, A>T. VCF-style: chr14-64016492-A-T. GRCh37 (hg19) VCF-style: chr14-64483210-A-T.
Other names: c.4748A>T (NM_182914.2); c.4748A>T, p.Glu1583Val (NM_015180.6); short protein forms E1583V.
Identifiers: ClinVar variation 1036360 (VCV001036360.7), dbSNP rs775635485, ClinGen allele CA7220307.